The following is an entry in ClinVar:

ClinVar aggregate classification (germline): Pathogenic (1 of 4 stars; one submission).

Submission:

Labcorp Genetics (formerly Invitae), Labcorp
Classification: Pathogenic. Last evaluated: 2023-07-07. Review status: criteria provided, single submitter. Criteria: Invitae Variant Classification Sherloc (09022015). Collection method: clinical testing. Allele origin: germline.
Comment: This sequence change creates a premature translational stop signal (p.Phe204Leufs*9) in the MME gene. It is expected to result in an absent or disrupted protein product. Loss-of-function variants in MME are known to be pathogenic (PMID: 26991897). This variant is present in population databases (rs764731848, gnomAD 0.006%). This variant has not been reported in the literature in individuals affected with MME-related conditions. For these reasons, this variant has been classified as Pathogenic.

Literature cited by the submitters: PubMed 26991897.

NM_007289.4(MME):c.612_615del (p.Phe204fs)

Gene: MME (membrane metalloendopeptidase; plus strand). Cytogenetic location: 3q25.2.
Variant type: Microsatellite.
Coding change: c.612_615del on transcript NM_007289.4 (MANE Select); coding-DNA positions 612 to 615, 4 bases deleted (TGTT; older notation c.612_615delTGTT).
Protein change: p.Phe204fs; shifts the reading frame from phenylalanine 204.
Molecular consequence: frameshift variant.
Genome position (GRCh38, 1-based): chr3:155,116,944-155,116,947, TGTT deleted; deleting any 4 consecutive bases within chr3:155,116,938-155,116,947 gives the same sequence; the c. name uses the placement nearest the transcript's 3' end. VCF-style (leftmost placement, unchanged base first): chr3-155116937-ATTTG-A. GRCh37 (hg19) VCF-style: chr3-154834726-ATTTG-A.
Other names: c.612_615del, p.Phe204fs (NM_000902.5, NM_001354642.2, NM_001354643.1 and 2 more transcripts); short protein forms F204fs.
Identifiers: ClinVar variation 1386074 (VCV001386074.6), dbSNP rs764731848, ClinGen allele CA2675217.